The following is an entry in ClinVar:

ClinVar aggregate classification (germline): Uncertain significance. Review status: criteria provided, multiple submitters, no conflicts (2 of 4 stars). 2 submissions from 2 submitters: Uncertain significance (2). Last evaluated 2023-02-28.

Allele frequency attached by ClinVar (database versions not stated): gnomAD exomes below 0.00001 and 0.00001; gnomAD 0.00002; TOPMed below 0.00001; ExAC 0.00002.
gnomAD v4.1: 11 of 1,613,960 alleles (0.00068%); highest among the groups gnomAD compares: East Asian, 0.011%; no homozygotes.

Submissions (2):

Ambry Genetics
Classification: Uncertain significance. Last evaluated: 2023-02-28. Review status: criteria provided, single submitter. Criteria: Ambry Variant Classification Scheme 2023. Collection method: clinical testing. Allele origin: germline.

Labcorp Genetics (formerly Invitae), Labcorp
Classification: Uncertain significance. Last evaluated: 2021-10-14. Review status: criteria provided, single submitter. Criteria: Invitae Variant Classification Sherloc (09022015). Collection method: clinical testing. Allele origin: germline.
Comment: This sequence change replaces glutamic acid with glutamine at codon 309 of the ARHGEF10 protein (p.Glu309Gln). The glutamic acid residue is weakly conserved and there is a small physicochemical difference between glutamic acid and glutamine. This variant is present in population databases (rs768860465, ExAC 0.02%). This variant has not been reported in the literature in individuals affected with ARHGEF10-related conditions. Algorithms developed to predict the effect of missense changes on protein structure and function are either unavailable or do not agree on the potential impact of this missense change (SIFT: "Tolerated"; PolyPhen-2: "Probably Damaging"; Align-GVGD: "Class C0"). In summary, the available evidence is currently insufficient to determine the role of this variant in disease. Therefore, it has been classified as a Variant of Uncertain Significance.

NM_014629.4(ARHGEF10):c.925G>C (p.Glu309Gln)

Gene: ARHGEF10 (Rho guanine nucleotide exchange factor 10; plus strand). Cytogenetic location: 8p23.3.
Variant type: single nucleotide variant.
Coding change: c.925G>C on transcript NM_014629.4 (MANE Select); coding-DNA position 925, G replaced by C.
Protein change: p.Glu309Gln; replaces glutamic acid 309 with glutamine.
Molecular consequence: missense variant. On other transcripts: intron variant (1).
Genome position (GRCh38, 1-based): chr8:1,880,129, G>C. VCF-style: chr8-1880129-G-C. GRCh37 (hg19) VCF-style: chr8-1828295-G-C.
Other names: c.928G>C, p.Glu310Gln (NM_001308153.3); c.847-2506G>C (NM_001308152.2); short protein forms E309Q, E334Q, E310Q.
Identifiers: ClinVar variation 1386660 (VCV001386660.8), dbSNP rs768860465, ClinGen allele CA4600107.